The following is an entry in ClinVar:

ClinVar aggregate classification (germline): Uncertain significance. Review status: criteria provided, multiple submitters, no conflicts (2 of 4 stars). 2 submissions from 2 submitters: Uncertain significance (2). Last evaluated 2024-11-13.

Conditions:
Inborn genetic diseases. Identifiers: MedGen C0950123, MeSH D030342.

Allele frequency attached by ClinVar (database versions not stated): ExAC 0.00001; gnomAD 0.00001; gnomAD exomes 0.00001.
gnomAD v4.1: 5 of 1,603,342 alleles (0.00031%); highest among the groups gnomAD compares: Non-Finnish European, 0.00043%; no homozygotes.

Submissions (2):

Labcorp Genetics (formerly Invitae), Labcorp
Classification: Uncertain significance. Last evaluated: 2024-11-13. Review status: criteria provided, single submitter. Criteria: Invitae Variant Classification Sherloc (09022015). Collection method: clinical testing. Allele origin: germline.
Comment: This sequence change replaces cysteine, which is neutral and slightly polar, with tryptophan, which is neutral and slightly polar, at codon 766 of the DHX37 protein (p.Cys766Trp). This variant is present in population databases (rs751694550, gnomAD 0.002%). This variant has not been reported in the literature in individuals affected with DHX37-related conditions. ClinVar contains an entry for this variant (Variation ID: 2322022). Invitae Evidence Modeling of protein sequence and biophysical properties (such as structural, functional, and spatial information, amino acid conservation, physicochemical variation, residue mobility, and thermodynamic stability) has been performed for this missense variant. However, the output from this modeling did not meet the statistical confidence thresholds required to predict the impact of this variant on DHX37 protein function. In summary, the available evidence is currently insufficient to determine the role of this variant in disease. Therefore, it has been classified as a Variant of Uncertain Significance.

Ambry Genetics
Classification: Uncertain significance for Inborn genetic diseases. Last evaluated: 2022-11-01. Review status: criteria provided, single submitter. Criteria: Ambry Variant Classification Scheme 2023. Collection method: clinical testing. Allele origin: germline.

NM_032656.4(DHX37):c.2298C>G (p.Cys766Trp)

Gene: DHX37 (DEAH-box helicase 37; minus strand). Cytogenetic location: 12q24.31.
Variant type: single nucleotide variant.
Coding change: c.2298C>G on transcript NM_032656.4 (MANE Select); coding-DNA position 2298, C replaced by G.
Protein change: p.Cys766Trp; replaces cysteine 766 with tryptophan.
Molecular consequence: missense variant.
Genome position (GRCh38, 1-based): chr12:124,956,846, G>C on the plus strand (C>G on the coding strand, the complement: DHX37 is on the minus strand). VCF-style: chr12-124956846-G-C. GRCh37 (hg19) VCF-style: chr12-125441392-G-C.
Other names: short protein forms C766W.
Identifiers: ClinVar variation 2322022 (VCV002322022.4), dbSNP rs751694550, ClinGen allele CA6871677.